The following is an entry in ClinVar:

ClinVar aggregate classification (germline): Uncertain significance (1 of 4 stars; one submission).

Submission:

Labcorp Genetics (formerly Invitae), Labcorp
Classification: Uncertain significance. Last evaluated: 2023-10-03. Review status: criteria provided, single submitter. Criteria: Invitae Variant Classification Sherloc (09022015). Collection method: clinical testing. Allele origin: germline.
Comment: This sequence change replaces leucine, which is neutral and non-polar, with proline, which is neutral and non-polar, at codon 127 of the ISCA2 protein (p.Leu127Pro). This variant is not present in population databases (gnomAD no frequency). This variant has not been reported in the literature in individuals affected with ISCA2-related conditions. ClinVar contains an entry for this variant (Variation ID: 1504087). An algorithm developed to predict the effect of missense changes on protein structure and function (PolyPhen-2) suggests that this variant is likely to be disruptive. In summary, the available evidence is currently insufficient to determine the role of this variant in disease. Therefore, it has been classified as a Variant of Uncertain Significance.

NM_194279.4(ISCA2):c.380T>C (p.Leu127Pro)

Gene: ISCA2 (iron-sulfur cluster assembly 2; plus strand). Cytogenetic location: 14q24.3.
Variant type: single nucleotide variant.
Coding change: c.380T>C on transcript NM_194279.4 (MANE Select); coding-DNA position 380, T replaced by C.
Protein change: p.Leu127Pro; replaces leucine 127 with proline.
Molecular consequence: missense variant. On other transcripts: 3 prime UTR variant (1).
Genome position (GRCh38, 1-based): chr14:74,494,915, T>C. VCF-style: chr14-74494915-T-C. GRCh37 (hg19) VCF-style: chr14-74961618-T-C.
Other names: c.*81T>C (NM_001272007.2); short protein forms L127P.
Identifiers: ClinVar variation 1504087 (VCV001504087.6), dbSNP rs772256953, ClinGen allele CA390380272.
Genomic context (GRCh38, chr14:74,494,915, plus strand): 5'-TGGTTGACTCTGATAGCTTGGCCTTCGTGAAAGGGGCCCAGGTGGACTTCAGCCAAGAAC[T>C]GATCCGAAGCTCATTTCAAGTGTTGAACAATCCTCAAGCACAGCAAGGCTGCTCCTGTGG-3'
Protein context (NP_919255.2, residues 117-137): KGAQVDFSQE[Leu127Pro]IRSSFQVLNN